The following is an entry in ClinVar:

ClinVar aggregate classification (germline): Uncertain significance. Review status: criteria provided, multiple submitters, no conflicts (2 of 4 stars). 2 submissions from 2 submitters: Uncertain significance (2). Last evaluated 2023-11-30.

Conditions:
Hereditary cancer-predisposing syndrome. Also called: Neoplastic Syndromes, Hereditary; Tumor predisposition; Hereditary Cancer Syndrome; Hereditary neoplastic syndrome. Identifiers: Orphanet 140162, MedGen C0027672, MeSH D009386, MONDO:0015356.

Allele frequency attached by ClinVar (database versions not stated): ExAC 0.00001; gnomAD 0.00001; gnomAD exomes 0.00001; TOPMed 0.00001.
gnomAD v4.1: 13 of 1,614,044 alleles (0.00081%); highest among the groups gnomAD compares: African/African-American, 0.0027%; no homozygotes.

Submissions (2):

Ambry Genetics
Classification: Uncertain significance for Hereditary cancer-predisposing syndrome. Last evaluated: 2023-11-30. Review status: criteria provided, single submitter. Criteria: Ambry Variant Classification Scheme 2023. Collection method: clinical testing. Allele origin: germline.
Comment: The p.E5K variant (also known as c.13G>A), located in coding exon 1 of the RAD50 gene, results from a G to A substitution at nucleotide position 13. The glutamic acid at codon 5 is replaced by lysine, an amino acid with similar properties. This amino acid position is well conserved in available vertebrate species. In addition, this alteration is predicted to be tolerated by in silico analysis. Since supporting evidence is limited at this time, the clinical significance of this alteration remains unclear.

Labcorp Genetics (formerly Invitae), Labcorp
Classification: Uncertain significance for Hereditary cancer-predisposing syndrome. Last evaluated: 2022-03-13. Review status: criteria provided, single submitter. Criteria: Invitae Variant Classification Sherloc (09022015). Collection method: clinical testing. Allele origin: germline.
Comment: In summary, the available evidence is currently insufficient to determine the role of this variant in disease. Therefore, it has been classified as a Variant of Uncertain Significance. Algorithms developed to predict the effect of missense changes on protein structure and function (SIFT, PolyPhen-2, Align-GVGD) all suggest that this variant is likely to be tolerated. ClinVar contains an entry for this variant (Variation ID: 233223). This variant has not been reported in the literature in individuals affected with RAD50-related conditions. This variant is present in population databases (rs756334508, gnomAD 0.007%). This sequence change replaces glutamic acid, which is acidic and polar, with lysine, which is basic and polar, at codon 5 of the RAD50 protein (p.Glu5Lys).

NM_005732.4(RAD50):c.13G>A (p.Glu5Lys)

Gene: RAD50 (RAD50 double strand break repair protein; plus strand). Cytogenetic location: 5q31.1.
Variant type: single nucleotide variant.
Coding change: c.13G>A on transcript NM_005732.4 (MANE Select); coding-DNA position 13, G replaced by A.
Protein change: p.Glu5Lys; replaces glutamic acid 5 with lysine.
Molecular consequence: missense variant.
Genome position (GRCh38, 1-based): chr5:132,557,337, G>A. VCF-style: chr5-132557337-G-A. GRCh37 (hg19) VCF-style: chr5-131893029-G-A.
Other names: short protein forms E5K.
Identifiers: ClinVar variation 233223 (VCV000233223.16), dbSNP rs756334508, ClinGen allele CA3404874.